The following is an entry in ClinVar:

NM_000088.4(COL1A1):c.2209G>T (p.Gly737Cys)

Gene: COL1A1 (collagen type I alpha 1 chain; minus strand). Cytogenetic location: 17q21.33.
Variant type: single nucleotide variant.
Coding change: c.2209G>T on transcript NM_000088.4 (MANE Select); coding-DNA position 2209, G replaced by T.
Protein change: p.Gly737Cys; replaces glycine 737 with cysteine.
Molecular consequence: missense variant.
Genome position (GRCh38, 1-based): chr17:50,191,409, C>A on the plus strand (G>T on the coding strand, the complement: COL1A1 is on the minus strand). VCF-style: chr17-50191409-C-A. GRCh37 (hg19) VCF-style: chr17-48268770-C-A.
Other names: short protein forms G737C.
Identifiers: ClinVar variation 4710407 (VCV004710407.1).

ClinVar aggregate classification (germline): Pathogenic (1 of 4 stars; one submission).

Conditions:
Osteogenesis imperfecta type I (OI1). Also called: OI, TYPE I; OSTEOGENESIS IMPERFECTA TARDA; OSTEOGENESIS IMPERFECTA WITH BLUE SCLERAE; Osteogenesis imperfecta type 1; Classic Non-deforming Osteogenesis Imperfecta with Blue Sclerae; Lobstein's Disease. Identifiers: Orphanet 216796, Orphanet 666, MedGen C0023931, MONDO:0008146, OMIM 166200. Disease mechanism: loss of function.

Submission:

Labcorp Genetics (formerly Invitae), Labcorp
Classification: Pathogenic for Osteogenesis imperfecta type I. Last evaluated: 2025-09-10. Review status: criteria provided, single submitter. Criteria: Invitae Variant Classification Sherloc (09022015). Collection method: clinical testing. Allele origin: germline.
Comment: This sequence change replaces glycine, which is neutral and non-polar, with cysteine, which is neutral and slightly polar, at codon 737 of the COL1A1 protein (p.Gly737Cys). This variant is not present in population databases (gnomAD no frequency). This missense change has been observed in individual(s) with osteogenesis imperfecta and dentinogenesis imperfecta (PMID: 11286811). It has also been observed to segregate with disease in related individuals. Invitae Evidence Modeling of protein sequence and biophysical properties (such as structural, functional, and spatial information, amino acid conservation, physicochemical variation, residue mobility, and thermodynamic stability) indicates that this missense variant is expected to disrupt COL1A1 protein function with a positive predictive value of 95%. This variant disrupts the triple helix domain of COL1A1. Glycine residues within the Gly-Xaa-Yaa repeats of the triple helix domain are required for the structure and stability of fibrillar collagens (PMID: 7695699, 8218237, 19344236). In COL1A1, variants affecting these glycine residues are significantly enriched in individuals with disease (PMID: 9016532, 17078022) compared to the general population (ExAC). For these reasons, this variant has been classified as Pathogenic.

Literature cited by the submitters: PubMed 11286811; PubMed 7695699; PubMed 8218237; PubMed 19344236; PubMed 9016532; PubMed 17078022.